The following is an entry in ClinVar:

NM_022489.4(INF2):c.20C>T (p.Ala7Val)

Gene: INF2 (inverted formin 2; plus strand). Cytogenetic location: 14q32.33.
Variant type: single nucleotide variant.
Coding change: c.20C>T on transcript NM_022489.4 (MANE Select); coding-DNA position 20, C replaced by T.
Protein change: p.Ala7Val; replaces alanine 7 with valine.
Molecular consequence: missense variant.
Genome position (GRCh38, 1-based): chr14:104,701,385, C>T. VCF-style: chr14-104701385-C-T. GRCh37 (hg19) VCF-style: chr14-105167722-C-T.
Other names: c.20C>T, p.Ala7Val (NM_001031714.4, NM_032714.3); short protein forms A7V.
Identifiers: ClinVar variation 1785881 (VCV001785881.4), dbSNP rs563745513, ClinGen allele CA7372218.
Genomic context (GRCh38, chr14:104,701,385, plus strand): 5'-CCCGCTGACGGCTCCCTGCCCTCTGCCTGCAGCTCGGCAAGATGTCGGTGAAGGAGGGCG[C>T]ACAGCGCAAGTGGGCAGCGCTGAAGGAGAAGCTGGGGCCACAGGATTCGGACCCCACGGA-3'
Protein context (NP_071934.3, residues 1-17): MSVKEG[Ala7Val]QRKWAALKEK

ClinVar aggregate classification (germline): Uncertain significance. Review status: criteria provided, multiple submitters, no conflicts (2 of 4 stars). 3 submissions from 3 submitters: Uncertain significance (3). Last evaluated 2026-04-28.

Conditions:
INF2-related disorder. Also called: INF2-related condition.
Focal segmental glomerulosclerosis 5 (FSGS5). Identifiers: Orphanet 656, MedGen C2750475, MONDO:0013191, OMIM 613237.
Charcot-Marie-Tooth disease dominant intermediate E. Also called: CHARCOT-MARIE-TOOTH NEUROPATHY WITH FOCAL SEGMENTAL GLOMERULONEPHRITIS. Identifiers: Orphanet 93114, MedGen C4302667, MONDO:0013758, OMIM 614455.
Inborn genetic diseases. Identifiers: MedGen C0950123, MeSH D030342.

Allele frequency attached by ClinVar (database versions not stated): 1000 Genomes Project 30x 0.00016; 1000 Genomes Project 0.00020.
gnomAD v4.1: 1 of 1,587,892 alleles (0.000063%); highest among the groups gnomAD compares: African/African-American, 0.0013%; no homozygotes.

Submissions (3):

PreventionGenetics, part of Exact Sciences
Classification: Uncertain significance for INF2-related condition. Last evaluated: 2026-04-28. Review status: criteria provided, single submitter. Criteria: ACMG Guidelines, 2015. Collection method: clinical testing. Allele origin: germline.
Comment: The INF2 c.20C>T variant is predicted to result in the amino acid substitution p.Ala7Val. To our knowledge, this variant has not been reported in the literature. This variant is reported in 0.0065% of alleles in individuals of East Asian descent in gnomAD. At this time, the clinical significance of this variant is uncertain due to the absence of conclusive functional and genetic evidence.

Fulgent Genetics
Classification: Uncertain significance for Focal segmental glomerulosclerosis 5; Charcot-Marie-Tooth disease dominant intermediate E. Last evaluated: 2023-12-29. Review status: criteria provided, single submitter. Criteria: ACMG Guidelines, 2015. Collection method: clinical testing. Allele origin: germline.

Ambry Genetics
Classification: Uncertain significance for Inborn genetic diseases. Last evaluated: 2020-11-13. Review status: criteria provided, single submitter. Criteria: Ambry Variant Classification Scheme 2023. Collection method: clinical testing. Allele origin: germline.
Comment: The p.A7V variant (also known as c.20C>T), located in coding exon 1 of the INF2 gene, results from a C to T substitution at nucleotide position 20. The alanine at codon 7 is replaced by valine, an amino acid with similar properties. This amino acid position is not well conserved in available vertebrate species. In addition, this alteration is predicted to be tolerated by in silico analysis. Since supporting evidence is limited at this time, the clinical significance of this alteration remains unclear.